The following is an entry in ClinVar:

ClinVar aggregate classification (germline): Uncertain significance (1 of 4 stars; one submission).

Conditions:
Inborn genetic diseases. Identifiers: MedGen C0950123, MeSH D030342.

gnomAD v4.1: 1 of 1,613,632 alleles (0.000062%); no homozygotes.

Submission:

Ambry Genetics
Classification: Uncertain significance for Inborn genetic diseases. Last evaluated: 2023-01-13. Review status: criteria provided, single submitter. Criteria: Ambry Variant Classification Scheme 2023. Collection method: clinical testing. Allele origin: germline.
Comment: The p.T42S variant (also known as c.124A>T), located in coding exon 3 of the ACADM gene, results from an A to T substitution at nucleotide position 124. The threonine at codon 42 is replaced by serine, an amino acid with similar properties. This amino acid position is conserved. In addition, the in silico prediction for this alteration is inconclusive. Since supporting evidence is limited at this time, the clinical significance of this alteration remains unclear.

NM_000016.6(ACADM):c.124A>T (p.Thr42Ser)

Gene: ACADM (acyl-CoA dehydrogenase medium chain; plus strand). Cytogenetic location: 1p31.1.
Variant type: single nucleotide variant.
Coding change: c.124A>T on transcript NM_000016.6 (MANE Select); coding-DNA position 124, A replaced by T.
Protein change: p.Thr42Ser; replaces threonine 42 with serine.
Molecular consequence: missense variant. On other transcripts: 5 prime UTR variant (1).
Genome position (GRCh38, 1-based): chr1:75,732,649, A>T. VCF-style: chr1-75732649-A-T. GRCh37 (hg19) VCF-style: chr1-76198334-A-T.
Other names: c.136A>T, p.Thr46Ser (NM_001127328.3); c.16A>T, p.Thr6Ser (NM_001286042.2); c.124A>T, p.Thr42Ser (NM_001286043.2); c.-262A>T (NM_001286044.2); short protein forms T42S, T46S, T6S.
Identifiers: ClinVar variation 2448116 (VCV002448116.2), dbSNP rs2525571948, ClinGen allele CA340809097.